The following is an entry in ClinVar:

ClinVar aggregate classification (germline): Uncertain significance. Review status: criteria provided, multiple submitters, no conflicts (2 of 4 stars). 3 submissions from 3 submitters: Uncertain significance (3). Last evaluated 2025-04-02.

Conditions:
Inborn genetic diseases. Identifiers: MedGen C0950123, MeSH D030342.
Hermansky-Pudlak syndrome 1 (HPS1). Also called: DELTA STORAGE POOL DISEASE. Identifiers: Orphanet 231500, Orphanet 79430, MedGen C2931875, MONDO:0008748, OMIM 203300.

gnomAD v4.1: 8 of 1,613,822 alleles (0.0005%); highest among the groups gnomAD compares: Admixed American, 0.012%; no homozygotes.

Submissions (3):

Ambry Genetics
Classification: Uncertain significance for Inborn genetic diseases. Last evaluated: 2025-04-02. Review status: criteria provided, single submitter. Criteria: Ambry Variant Classification Scheme 2023. Collection method: clinical testing. Allele origin: germline.

Fulgent Genetics
Classification: Uncertain significance for Hermansky-Pudlak syndrome 1. Last evaluated: 2022-02-23. Review status: criteria provided, single submitter. Criteria: ACMG Guidelines, 2015. Collection method: clinical testing. Allele origin: unknown.

Labcorp Genetics (formerly Invitae), Labcorp
Classification: Uncertain significance. Last evaluated: 2021-12-02. Review status: criteria provided, single submitter. Criteria: Invitae Variant Classification Sherloc (09022015). Collection method: clinical testing. Allele origin: germline.
Comment: This sequence change replaces arginine, which is basic and polar, with proline, which is neutral and non-polar, at codon 476 of the HPS1 protein (p.Arg476Pro). This variant is present in population databases (rs757853476, gnomAD 0.01%). This variant has not been reported in the literature in individuals affected with HPS1-related conditions. Algorithms developed to predict the effect of missense changes on protein structure and function are either unavailable or do not agree on the potential impact of this missense change (SIFT: "Tolerated"; PolyPhen-2: "Probably Damaging"; Align-GVGD: "Class C0"). In summary, the available evidence is currently insufficient to determine the role of this variant in disease. Therefore, it has been classified as a Variant of Uncertain Significance.

NM_000195.5(HPS1):c.1427G>C (p.Arg476Pro)

Gene: HPS1 (HPS1 biogenesis of lysosomal organelles complex 3 subunit 1; minus strand). Cytogenetic location: 10q24.2.
Variant type: single nucleotide variant.
Coding change: c.1427G>C on transcript NM_000195.5 (MANE Select); coding-DNA position 1427, G replaced by C.
Protein change: p.Arg476Pro; replaces arginine 476 with proline.
Molecular consequence: missense variant.
Genome position (GRCh38, 1-based): chr10:98,423,858, C>G on the plus strand (G>C on the coding strand, the complement: HPS1 is on the minus strand). VCF-style: chr10-98423858-C-G. GRCh37 (hg19) VCF-style: chr10-100183615-C-G.
Other names: c.1427G>C (NM_000195.3); c.455G>C, p.Arg152Pro (NM_001311345.2, NM_001322487.2, NM_001322489.2); c.1427G>C, p.Arg476Pro (NM_001322476.2, NM_001322477.2); c.1328G>C, p.Arg443Pro (NM_001322478.2, NM_001322479.2); c.1166G>C, p.Arg389Pro (NM_001322480.2, NM_001322481.2); c.1067G>C, p.Arg356Pro (NM_001322482.2); c.1058G>C, p.Arg353Pro (NM_001322483.2, NM_001322484.2); c.959G>C, p.Arg320Pro (NM_001322485.2); short protein forms R476P, R353P, R443P, R152P, R320P, R356P, R389P.
Identifiers: ClinVar variation 1426340 (VCV001426340.5), dbSNP rs757853476, ClinGen allele CA5639026.
Genomic context (GRCh38, chr10:98,423,858, plus strand): 5'-GGGCCTCCCCTGCTGGGGGCTGTGGTCAGAAAGTTCAGCCGGTAGATGGCGCAGAGCTGC[C>G]GCTTCAGCTTCCCACATGCCTGGAGCAGCCTGAGCACGAGAGAGGAGGGCATTACAGCAG-3'
Protein context (NP_000186.2, residues 466-486): ELLQACGKLK[Arg476Pro]QLCAIYRLNF